The following is an entry in ClinVar:

ClinVar aggregate classification (germline): Uncertain significance (1 of 4 stars; one submission).

Conditions:
Cardiovascular phenotype. Identifiers: MedGen CN230736.

Submission:

Ambry Genetics
Classification: Uncertain significance for Cardiovascular phenotype. Last evaluated: 2016-06-02. Review status: criteria provided, single submitter. Criteria: Ambry Variant Classification Scheme 2023. Collection method: clinical testing. Allele origin: germline.
Comment: The p.F958I variant (also known as c.2872T>A), located in coding exon 8 of the HCN4 gene, results from a T to A substitution at nucleotide position 2872. The phenylalanine at codon 958 is replaced by isoleucine, an amino acid with highly similar properties. This variant was not reported in population based cohorts in the following databases: Database of Single Nucleotide Polymorphisms (dbSNP), NHLBI Exome Sequencing Project (ESP), and 1000 Genomes Project. In the ESP, this variant was not observed in 5914 samples (11828 alleles) with coverage at this position. This amino acid position is not well conserved in available vertebrate species. In addition, the in silico prediction for this alteration is inconclusive. Since supporting evidence is limited at this time, the clinical significance of this variant remains unclear.

NM_005477.3(HCN4):c.2872T>A (p.Phe958Ile)

Gene: HCN4 (hyperpolarization activated cyclic nucleotide gated potassium channel 4; minus strand). Cytogenetic location: 15q24.1.
Variant type: single nucleotide variant.
Coding change: c.2872T>A on transcript NM_005477.3 (MANE Select); coding-DNA position 2872, T replaced by A.
Protein change: p.Phe958Ile; replaces phenylalanine 958 with isoleucine.
Molecular consequence: missense variant.
Genome position (GRCh38, 1-based): chr15:73,323,221, A>T on the plus strand (T>A on the coding strand, the complement: HCN4 is on the minus strand). VCF-style: chr15-73323221-A-T. GRCh37 (hg19) VCF-style: chr15-73615562-A-T.
Other names: short protein forms F958I.
Identifiers: ClinVar variation 519259 (VCV000519259.5), dbSNP rs1555475219, ClinGen allele CA393087179.